The following is an entry in ClinVar:

ClinVar aggregate classification (germline): Uncertain significance (1 of 4 stars; one submission).

gnomAD v4.1: 3 of 1,614,170 alleles (0.00019%); highest among the groups gnomAD compares: Non-Finnish European, 0.00017%; no homozygotes.

Submission:

Labcorp Genetics (formerly Invitae), Labcorp
Classification: Uncertain significance. Last evaluated: 2022-06-13. Review status: criteria provided, single submitter. Criteria: Invitae Variant Classification Sherloc (09022015). Collection method: clinical testing. Allele origin: germline.
Comment: In summary, the available evidence is currently insufficient to determine the role of this variant in disease. Therefore, it has been classified as a Variant of Uncertain Significance. Algorithms developed to predict the effect of missense changes on protein structure and function (SIFT, PolyPhen-2, Align-GVGD) all suggest that this variant is likely to be tolerated. This variant has not been reported in the literature in individuals affected with DHX37-related conditions. This variant is present in population databases (no rsID available, gnomAD 0.0009%). This sequence change replaces threonine, which is neutral and polar, with isoleucine, which is neutral and non-polar, at codon 59 of the DHX37 protein (p.Thr59Ile).

NM_032656.4(DHX37):c.176C>T (p.Thr59Ile)

Gene: DHX37 (DEAH-box helicase 37; minus strand). Cytogenetic location: 12q24.31.
Variant type: single nucleotide variant.
Coding change: c.176C>T on transcript NM_032656.4 (MANE Select); coding-DNA position 176, C replaced by T.
Protein change: p.Thr59Ile; replaces threonine 59 with isoleucine.
Molecular consequence: missense variant.
Genome position (GRCh38, 1-based): chr12:124,986,196, G>A on the plus strand (C>T on the coding strand, the complement: DHX37 is on the minus strand). VCF-style: chr12-124986196-G-A. GRCh37 (hg19) VCF-style: chr12-125470742-G-A.
Other names: short protein forms T59I.
Identifiers: ClinVar variation 2128098 (VCV002128098.4), dbSNP rs1297900998, ClinGen allele CA387228578.